The following is an entry in ClinVar:

ClinVar aggregate classification (germline): Pathogenic (1 of 4 stars; one submission).

Conditions:
Generalized epilepsy with febrile seizures plus, type 7 (GEFSP7). Also called: GEFS+, TYPE 7. Identifiers: Orphanet 36387, MedGen C2751778, MONDO:0013470, OMIM 613863.
Neuropathy, hereditary sensory and autonomic, type 2A (HSAN2A). Also called: ACROOSTEOLYSIS, NEUROGENIC; ACROOSTEOLYSIS, GIACCAI TYPE; MORVAN DISEASE; WNK1-Related HSAN2 (HSAN2A); NEUROPATHY, CONGENITAL SENSORY; NEUROPATHY, HEREDITARY SENSORY RADICULAR, AUTOSOMAL RECESSIVE. Identifiers: Orphanet 970, MedGen C2752089, MONDO:0024309, OMIM 201300.

Submission:

Labcorp Genetics (formerly Invitae), Labcorp
Classification: Pathogenic for Neuropathy, hereditary sensory and autonomic, type 2A; Generalized epilepsy with febrile seizures plus, type 7. Last evaluated: 2022-07-19. Review status: criteria provided, single submitter. Criteria: Invitae Variant Classification Sherloc (09022015). Collection method: clinical testing. Allele origin: germline.
Comment: For these reasons, this variant has been classified as Pathogenic. Algorithms developed to predict the effect of sequence changes on RNA splicing suggest that this variant may disrupt the consensus splice site. ClinVar contains an entry for this variant (Variation ID: 1450127). This variant has not been reported in the literature in individuals affected with SCN9A-related conditions. This variant is not present in population databases (gnomAD no frequency). This sequence change creates a premature translational stop signal (p.Ser501*) in the SCN9A gene. It is expected to result in an absent or disrupted protein product. Loss-of-function variants in SCN9A are known to be pathogenic (PMID: 17470132, 19304393).

Literature cited by the submitters: PubMed 17470132; PubMed 19304393.

NM_001365536.1(SCN9A):c.1502C>A (p.Ser501Ter)

Genes: SCN1A-AS1 (SCN1A and SCN9A antisense RNA 1; plus strand), SCN9A (sodium voltage-gated channel alpha subunit 9; minus strand). Cytogenetic location: 2q24.3.
Variant type: single nucleotide variant.
Coding change: c.1502C>A on transcript NM_001365536.1 (MANE Select); coding-DNA position 1502, C replaced by A.
Protein change: p.Ser501Ter; replaces serine 501 with a stop codon.
Molecular consequence: nonsense.
Genome position (GRCh38, 1-based): chr2:166,286,436, G>T on the plus strand (C>A on the coding strand, the complement: SCN9A is on the minus strand). VCF-style: chr2-166286436-G-T. GRCh37 (hg19) VCF-style: chr2-167142946-G-T.
Other names: c.1502C>A, p.Ser501Ter (NM_002977.4); short protein forms S501*.
Identifiers: ClinVar variation 1450127 (VCV001450127.6), dbSNP rs751421307, ClinGen allele CA349084596.